The following is an entry in ClinVar:

NM_020831.6(MRTFA):c.818T>C (p.Met273Thr)

Gene: MRTFA (myocardin related transcription factor A; minus strand). Cytogenetic location: 22q13.1.
Variant type: single nucleotide variant.
Coding change: c.818T>C on transcript NM_020831.6 (MANE Select); coding-DNA position 818, T replaced by C.
Protein change: p.Met273Thr; replaces methionine 273 with threonine.
Molecular consequence: missense variant. On other transcripts: intron variant (1).
Genome position (GRCh38, 1-based): chr22:40,423,645, A>G on the plus strand (T>C on the coding strand, the complement: MRTFA is on the minus strand). VCF-style: chr22-40423645-A-G. GRCh37 (hg19) VCF-style: chr22-40819649-A-G.
Other names: c.518T>C, p.Met173Thr (NM_001282660.2); c.818T>C, p.Met273Thr (NM_001282662.3); c.623T>C, p.Met208Thr (NM_001318139.2); c.777+561T>C (NM_001282661.3); short protein forms M173T, M208T, M273T.
Identifiers: ClinVar variation 1683141 (VCV001683141.8), dbSNP rs1212043779, ClinGen allele CA411665493.

ClinVar aggregate classification (germline): Uncertain significance (1 of 4 stars; one submission).

Allele frequency attached by ClinVar (database versions not stated): gnomAD exomes below 0.00001; TOPMed below 0.00001; gnomAD 0.00001.
gnomAD v4.1: 4 of 1,587,850 alleles (0.00025%); highest among the groups gnomAD compares: East Asian, 0.0023%; no homozygotes.

Submission:

Labcorp Genetics (formerly Invitae), Labcorp
Classification: Uncertain significance. Last evaluated: 2022-11-22. Review status: criteria provided, single submitter. Criteria: Invitae Variant Classification Sherloc (09022015). Collection method: clinical testing. Allele origin: germline.
Comment: In summary, the available evidence is currently insufficient to determine the role of this variant in disease. Therefore, it has been classified as a Variant of Uncertain Significance. Algorithms developed to predict the effect of missense changes on protein structure and function output the following: SIFT: "Tolerated"; PolyPhen-2: "Benign"; Align-GVGD: "Class C0". The threonine amino acid residue is found in multiple mammalian species, which suggests that this missense change does not adversely affect protein function. ClinVar contains an entry for this variant (Variation ID: 1683141). This variant has not been reported in the literature in individuals affected with MKL1-related conditions. This variant is present in population databases (no rsID available, gnomAD 0.004%). This sequence change replaces methionine, which is neutral and non-polar, with threonine, which is neutral and polar, at codon 173 of the MKL1 protein (p.Met173Thr).